The following is an entry in ClinVar:

NM_203447.4(DOCK8):c.4895A>G (p.Lys1632Arg)

Gene: DOCK8 (dedicator of cytokinesis 8; plus strand). Cytogenetic location: 9p24.3.
Variant type: single nucleotide variant.
Coding change: c.4895A>G on transcript NM_203447.4 (MANE Select); coding-DNA position 4895, A replaced by G.
Protein change: p.Lys1632Arg; replaces lysine 1632 with arginine.
Molecular consequence: missense variant.
Genome position (GRCh38, 1-based): chr9:434,791, A>G. VCF-style: chr9-434791-A-G. GRCh37 (hg19) VCF-style: chr9-434791-A-G.
Other names: c.4595A>G, p.Lys1532Arg (NM_001190458.2); c.4691A>G, p.Lys1564Arg (NM_001193536.2); short protein forms K1564R, K1532R, K1632R.
Identifiers: ClinVar variation 951450 (VCV000951450.37), dbSNP rs760713559, ClinGen allele CA4959250.

ClinVar aggregate classification (germline): Uncertain significance. Review status: criteria provided, multiple submitters, no conflicts (2 of 4 stars). 2 submissions from 2 submitters: Uncertain significance (2). Last evaluated 2022-08-21.

Conditions:
Combined immunodeficiency due to DOCK8 deficiency (HIES2). Also called: Hyper-IgE recurrent infection syndrome, autosomal recessive; HIES autosomal recessive; HYPER-IgE SYNDROME 2, AUTOSOMAL RECESSIVE, WITH RECURRENT INFECTIONS; HYPER-IgE RECURRENT INFECTION SYNDROME 2, AUTOSOMAL RECESSIVE; DOCK8 Deficiency. Identifiers: Orphanet 217390, MedGen C4722305, MONDO:0009478, OMIM 243700.

Allele frequency attached by ClinVar (database versions not stated): gnomAD 0.00001; TOPMed 0.00002; gnomAD exomes 0.00003; ExAC 0.00005.
gnomAD v4.1: 44 of 1,613,980 alleles (0.0027%); highest among the groups gnomAD compares: Non-Finnish European, 0.0036%; no homozygotes.

Submissions (2):

Labcorp Genetics (formerly Invitae), Labcorp
Classification: Uncertain significance for Combined immunodeficiency due to DOCK8 deficiency. Last evaluated: 2022-08-21. Review status: criteria provided, single submitter. Criteria: Invitae Variant Classification Sherloc (09022015). Collection method: clinical testing. Allele origin: germline.
Comment: This sequence change replaces lysine, which is basic and polar, with arginine, which is basic and polar, at codon 1632 of the DOCK8 protein (p.Lys1632Arg). This variant is present in population databases (rs760713559, gnomAD 0.007%). This variant has not been reported in the literature in individuals affected with DOCK8-related conditions. ClinVar contains an entry for this variant (Variation ID: 951450). Algorithms developed to predict the effect of missense changes on protein structure and function are either unavailable or do not agree on the potential impact of this missense change (SIFT: "Tolerated"; PolyPhen-2: "Possibly Damaging"; Align-GVGD: "Class C0"). In summary, the available evidence is currently insufficient to determine the role of this variant in disease. Therefore, it has been classified as a Variant of Uncertain Significance.

CeGaT Center for Human Genetics Tuebingen
Classification: Uncertain significance. Last evaluated: 2021-06-01. Review status: criteria provided, single submitter. Criteria: CeGaT Center For Human Genetics Tuebingen Variant Classification Criteria Version 2. Collection method: clinical testing. Allele origin: germline. Affected: yes. Observed: 1 variant allele.